The following is an entry in ClinVar:

NM_033380.3(COL4A5):c.3085A>T (p.Ile1029Phe)

Gene: COL4A5 (collagen type IV alpha 5 chain; plus strand). Cytogenetic location: Xq22.3.
Variant type: single nucleotide variant.
Coding change: c.3085A>T on transcript NM_033380.3 (MANE Select); coding-DNA position 3085, A replaced by T.
Protein change: p.Ile1029Phe; replaces isoleucine 1029 with phenylalanine.
Molecular consequence: missense variant.
Genome position (GRCh38, 1-based): chrX:108,625,773, A>T. VCF-style: chrX-108625773-A-T. GRCh37 (hg19) VCF-style: chrX-107869003-A-T.
Other names: c.3085A>T, p.Ile1029Phe (NM_000495.5); short protein forms I1029F.
Identifiers: ClinVar variation 1516561 (VCV001516561.8), dbSNP rs2147872284, ClinGen allele CA413854710.

ClinVar aggregate classification (germline): Uncertain significance (1 of 4 stars; one submission).

Submission:

Labcorp Genetics (formerly Invitae), Labcorp
Classification: Uncertain significance. Last evaluated: 2021-06-15. Review status: criteria provided, single submitter. Criteria: Invitae Variant Classification Sherloc (09022015). Collection method: clinical testing. Allele origin: germline.
Comment: In summary, the available evidence is currently insufficient to determine the role of this variant in disease. Therefore, it has been classified as a Variant of Uncertain Significance. This variant has not been reported in the literature in individuals with COL4A5-related conditions. This variant is not present in population databases (ExAC no frequency). This sequence change replaces isoleucine with phenylalanine at codon 1029 of the COL4A5 protein (p.Ile1029Phe). The isoleucine residue is moderately conserved and there is a small physicochemical difference between isoleucine and phenylalanine.